The following is an entry in ClinVar:

NM_006767.4(LZTR1):c.180C>A (p.Cys60Ter)

Gene: LZTR1 (leucine zipper like post translational regulator 1; plus strand). Cytogenetic location: 22q11.21.
Variant type: single nucleotide variant.
Coding change: c.180C>A on transcript NM_006767.4 (MANE Select); coding-DNA position 180, C replaced by A.
Protein change: p.Cys60Ter; replaces cysteine 60 with a stop codon.
Molecular consequence: nonsense.
Genome position (GRCh38, 1-based): chr22:20,982,551, C>A. VCF-style: chr22-20982551-C-A. GRCh37 (hg19) VCF-style: chr22-21336840-C-A.
Other names: short protein forms C60*.
Identifiers: ClinVar variation 1071200 (VCV001071200.12), dbSNP rs766446110, ClinGen allele CA410778118.

ClinVar aggregate classification (germline): Pathogenic. Review status: criteria provided, multiple submitters, no conflicts (2 of 4 stars). 4 submissions from 4 submitters: Pathogenic (4). Last evaluated 2025-09-08.

Conditions:
Hereditary cancer-predisposing syndrome. Also called: Tumor predisposition; Hereditary neoplastic syndrome; Neoplastic Syndromes, Hereditary; Hereditary Cancer Syndrome. Identifiers: Orphanet 140162, MedGen C0027672, MeSH D009386, MONDO:0015356.
Cardiovascular phenotype. Identifiers: MedGen CN230736.

gnomAD v4.1: 1 of 1,612,394 alleles (0.000062%); highest among the groups gnomAD compares: Non-Finnish European, 0.000085%; no homozygotes.

Submissions (4):

Labcorp Genetics (formerly Invitae), Labcorp
Classification: Pathogenic. Last evaluated: 2025-09-08. Review status: criteria provided, single submitter. Criteria: Invitae Variant Classification Sherloc (09022015). Collection method: clinical testing. Allele origin: germline.
Comment: This sequence change creates a premature translational stop signal (p.Cys60*) in the LZTR1 gene. It is expected to result in an absent or disrupted protein product. Loss-of-function variants in LZTR1 are known to be pathogenic (PMID: 24362817, 25335493, 25480913, 25795793, 29469822, 30368668, 30442762, 30442766, 30481304, 30859559). This variant is not present in population databases (gnomAD no frequency). This variant has not been reported in the literature in individuals affected with LZTR1-related conditions. ClinVar contains an entry for this variant (Variation ID: 1071200). For these reasons, this variant has been classified as Pathogenic.

GeneDx
Classification: Pathogenic. Last evaluated: 2024-12-03. Review status: criteria provided, single submitter. Criteria: GeneDx Variant Classification Process June 2021. Collection method: clinical testing. Allele origin: germline. Affected: yes.
Comment: Nonsense variant predicted to result in protein truncation or nonsense mediated decay in a gene for which loss of function is a known mechanism of disease; Has not been previously published as pathogenic or benign to our knowledge; Not observed at significant frequency in large population cohorts (gnomAD)

Centre of Medical Genetics, University Hospital Muenster
Classification: Pathogenic. Last evaluated: 2024-10-08. Review status: criteria provided, single submitter. Criteria: ACMG Guidelines, 2015. Collection method: clinical testing. Allele origin: unknown. Affected: yes. Observed: 1 variant allele.
Comment: ACMG categories: PVS1,PM2

Ambry Genetics
Classification: Pathogenic for Cardiovascular phenotype; Hereditary cancer-predisposing syndrome. Last evaluated: 2023-12-29. Review status: criteria provided, single submitter. Criteria: Ambry Variant Classification Scheme 2023. Collection method: clinical testing. Allele origin: germline.
Comment: The p.C60* pathogenic mutation (also known as c.180C>A), located in coding exon 1 of the LZTR1 gene, results from a C to A substitution at nucleotide position 180. This changes the amino acid from a cysteine to a stop codon within coding exon 1. This alteration is expected to result in loss of function by premature protein truncation or nonsense-mediated mRNA decay. This variant is considered to be rare based on population cohorts in the Genome Aggregation Database (gnomAD). Based on the supporting evidence, this variant is expected to be pathogenic for an increased risk of LZTR1-related schwannomatosis (SWN) and would be expected to cause autosomal recessive Noonan syndrome when present along with a second pathogenic or likely pathogenic variant on the other allele.

Literature cited by the submitters: PubMed 24362817 (cited by Labcorp Genetics (formerly Invitae), Labcorp); PubMed 25335493 (cited by Labcorp Genetics (formerly Invitae), Labcorp); PubMed 25480913 (cited by Labcorp Genetics (formerly Invitae), Labcorp); PubMed 25795793 (cited by Labcorp Genetics (formerly Invitae), Labcorp); PubMed 29469822 (cited by Labcorp Genetics (formerly Invitae), Labcorp); PubMed 30368668 (cited by Labcorp Genetics (formerly Invitae), Labcorp); PubMed 30442762 (cited by Labcorp Genetics (formerly Invitae), Labcorp); PubMed 30442766 (cited by Labcorp Genetics (formerly Invitae), Labcorp); PubMed 30481304 (cited by Labcorp Genetics (formerly Invitae), Labcorp); PubMed 30859559 (cited by Labcorp Genetics (formerly Invitae), Labcorp).